The following is an entry in ClinVar:

NM_001267550.2(TTN):c.35724A>G (p.Thr11908=)

Gene: TTN (titin; minus strand). Cytogenetic location: 2q31.2.
Variant type: single nucleotide variant.
Coding change: c.35724A>G on transcript NM_001267550.2 (MANE Select); coding-DNA position 35724, A replaced by G.
Protein change: p.Thr11908=; no amino-acid change (threonine 11908 retained).
Molecular consequence: synonymous variant. On other transcripts: intron variant (5).
Genome position (GRCh38, 1-based): chr2:178,667,309, T>C on the plus strand (A>G on the coding strand, the complement: TTN is on the minus strand). VCF-style: chr2-178667309-T-C. GRCh37 (hg19) VCF-style: chr2-179532036-T-C.
Other names: c.13283-24992A>G (NM_003319.4); c.13859-24992A>G (NM_133437.4); c.13658-24992A>G (NM_133432.3); c.31483+2909A>G (NM_133378.4); c.34264+2909A>G (NM_001256850.1).
Identifiers: ClinVar variation 2063789 (VCV002063789.28), dbSNP rs780692080, ClinGen allele CA1997742.
Genomic context (GRCh38, chr2:178,667,309, plus strand): 5'-ATGTTCTGGAATTTCAGGAATAGCCTCAGGTGGCTCCACCTCTGGAAAAATGCCTCTGGT[T>C]GTATCAGGTTCTTTAAAGATATTAGTAGGTTTACATTTAAAAGTTGTAAAAACAGTAAAT-3'
Protein context (NP_001254479.2, residues 11898-11918): RETPATKEPD[Thr11908=]TRGIFPEVEP

ClinVar aggregate classification (germline): Likely benign. Review status: criteria provided, multiple submitters, no conflicts (2 of 4 stars). 2 submissions from 2 submitters: Likely benign (2). Last evaluated 2025-12-14.

Conditions:
Dilated cardiomyopathy 1G (CMD1G). Identifiers: Orphanet 154, MedGen C1858763, MONDO:0011400, OMIM 604145.
Autosomal recessive limb-girdle muscular dystrophy type 2J (LGMDR10). Also called: Limb-girdle muscular dystrophy, type 2J; MUSCULAR DYSTROPHY, LIMB-GIRDLE, AUTOSOMAL RECESSIVE 10. Identifiers: Orphanet 140922, MedGen C1837342, MONDO:0012127, OMIM 608807.

Allele frequency attached by ClinVar (database versions not stated): gnomAD 0.00001; gnomAD exomes 0.00001; TOPMed 0.00001; ExAC 0.00002.
gnomAD v4.1: 20 of 1,601,946 alleles (0.0012%); highest among the groups gnomAD compares: Non-Finnish European, 0.0015%; no homozygotes.

Submissions (2):

Labcorp Genetics (formerly Invitae), Labcorp
Classification: Likely benign for Dilated cardiomyopathy 1G; Autosomal recessive limb-girdle muscular dystrophy type 2J. Last evaluated: 2025-12-14. Review status: criteria provided, single submitter. Criteria: Invitae Variant Classification Sherloc (09022015). Collection method: clinical testing. Allele origin: germline.

CeGaT Center for Human Genetics Tuebingen
Classification: Likely benign. Last evaluated: 2022-09-01. Review status: criteria provided, single submitter. Criteria: CeGaT Center For Human Genetics Tuebingen Variant Classification Criteria Version 2. Collection method: clinical testing. Allele origin: germline. Affected: yes. Observed: 1 variant allele.
Comment: TTN: BP4, BP7